The following is an entry in ClinVar:

NM_014991.6(WDFY3):c.10537T>G (p.Leu3513Val)

Gene: WDFY3 (WD repeat and FYVE domain containing 3; minus strand). Cytogenetic location: 4q21.23.
Variant type: single nucleotide variant.
Coding change: c.10537T>G on transcript NM_014991.6 (MANE Select); coding-DNA position 10537, T replaced by G.
Protein change: p.Leu3513Val; replaces leucine 3513 with valine.
Molecular consequence: missense variant.
Genome position (GRCh38, 1-based): chr4:84,672,912, A>C on the plus strand (T>G on the coding strand, the complement: WDFY3 is on the minus strand). VCF-style: chr4-84672912-A-C. GRCh37 (hg19) VCF-style: chr4-85594065-A-C.
Other names: short protein forms L3513V.
Identifiers: ClinVar variation 1703112 (VCV001703112.3), dbSNP rs1253428422, ClinGen allele CA357264321.
Genomic context (GRCh38, chr4:84,672,912, plus strand): 5'-TCAGCTTGTTGAATCTTCAACAATTTCGAGGCCCATCTTCTGAACCTCTCTCATGCTGTA[A>C]GTTATAATAACAGTTCTGACAAACACGCACCGGGGATGAGATTTTCAAGCGTTTGATTTC-3'
Protein context (NP_055806.2, residues 3503-3523): VRVCQNCYYN[Leu3513Val]QHERGSEDGP

ClinVar aggregate classification (germline): Uncertain significance (1 of 4 stars; one submission).

Allele frequency attached by ClinVar (database versions not stated): gnomAD exomes below 0.00001; TOPMed below 0.00001.
gnomAD v4.1: 2 of 1,611,386 alleles (0.00012%); highest among the groups gnomAD compares: Non-Finnish European, 0.00017%; no homozygotes.

Submission:

Greenwood Genetic Center Diagnostic Laboratories, Greenwood Genetic Center
Classification: Uncertain significance. Last evaluated: 2022-04-12. Review status: criteria provided, single submitter. Criteria: ACMG Guidelines, 2015. Collection method: clinical testing. Allele origin: germline. Affected: yes.
Comment: PM2